The following is an entry in ClinVar:

NM_014314.4(RIGI):c.1034T>C (p.Ile345Thr)

Gene: RIGI (RNA sensor RIG-I; minus strand). Cytogenetic location: 9p21.1.
Variant type: single nucleotide variant.
Coding change: c.1034T>C on transcript NM_014314.4 (MANE Select); coding-DNA position 1034, T replaced by C.
Protein change: p.Ile345Thr; replaces isoleucine 345 with threonine.
Molecular consequence: missense variant.
Genome position (GRCh38, 1-based): chr9:32,488,123, A>G on the plus strand (T>C on the coding strand, the complement: RIGI is on the minus strand). VCF-style: chr9-32488123-A-G. GRCh37 (hg19) VCF-style: chr9-32488121-A-G.
Other names: c.1028T>C, p.Ile343Thr (NM_001385907.1); c.1034T>C, p.Ile345Thr (NM_001385909.1); c.593T>C, p.Ile198Thr (NM_001385910.1); c.425T>C, p.Ile142Thr (NM_001385912.1); c.1019T>C, p.Ile340Thr (NM_001385913.1); c.590T>C, p.Ile197Thr (NM_001385914.1); short protein forms I197T, I343T, I142T, I198T, I340T, I345T.
Identifiers: ClinVar variation 2017654 (VCV002017654.4), dbSNP rs1373158797, ClinGen allele CA373157966.

ClinVar aggregate classification (germline): Uncertain significance (1 of 4 stars; one submission).

Allele frequency attached by ClinVar (database versions not stated): gnomAD exomes below 0.00001.
gnomAD v4.1: 1 of 1,614,132 alleles (0.000062%); highest among the groups gnomAD compares: Non-Finnish European, 0.000085%; no homozygotes.

Submission:

Labcorp Genetics (formerly Invitae), Labcorp
Classification: Uncertain significance. Last evaluated: 2022-07-16. Review status: criteria provided, single submitter. Criteria: Invitae Variant Classification Sherloc (09022015). Collection method: clinical testing. Allele origin: germline.
Comment: Algorithms developed to predict the effect of missense changes on protein structure and function are either unavailable or do not agree on the potential impact of this missense change (SIFT: "Deleterious"; PolyPhen-2: "Possibly Damaging"; Align-GVGD: "Class C0"). This variant has not been reported in the literature in individuals affected with DDX58-related conditions. This variant is present in population databases (no rsID available, gnomAD 0.0009%). This sequence change replaces isoleucine, which is neutral and non-polar, with threonine, which is neutral and polar, at codon 345 of the DDX58 protein (p.Ile345Thr). In summary, the available evidence is currently insufficient to determine the role of this variant in disease. Therefore, it has been classified as a Variant of Uncertain Significance.